The following is an entry in ClinVar:

ClinVar aggregate classification (germline): Uncertain significance (1 of 4 stars; one submission).

Submission:

Ambry Genetics
Classification: Uncertain significance. Last evaluated: 2024-12-07. Review status: criteria provided, single submitter. Criteria: Ambry Variant Classification Scheme 2023. Collection method: clinical testing. Allele origin: germline.
Comment: The p.E510Q variant (also known as c.1528G>C), located in coding exon 2 of the CDK12 gene, results from a G to C substitution at nucleotide position 1528. The glutamic acid at codon 510 is replaced by glutamine, an amino acid with highly similar properties. This amino acid position is conserved. In addition, the in silico prediction for this alteration is inconclusive. Based on the available evidence, the clinical significance of this variant remains unclear.

NM_016507.4(CDK12):c.1528G>C (p.Glu510Gln)

Gene: CDK12 (cyclin dependent kinase 12; plus strand). Cytogenetic location: 17q12.
Variant type: single nucleotide variant.
Coding change: c.1528G>C on transcript NM_016507.4 (MANE Select); coding-DNA position 1528, G replaced by C.
Protein change: p.Glu510Gln; replaces glutamic acid 510 with glutamine.
Molecular consequence: missense variant.
Genome position (GRCh38, 1-based): chr17:39,471,360, G>C. VCF-style: chr17-39471360-G-C. GRCh37 (hg19) VCF-style: chr17-37627613-G-C.
Other names: c.1528G>C, p.Glu510Gln (NM_015083.4); short protein forms E510Q.
Identifiers: ClinVar variation 3489376 (VCV003489376.1).